The following is an entry in ClinVar:

NM_177438.3(DICER1):c.18G>T (p.Leu6Phe)

Gene: DICER1 (dicer 1, ribonuclease III; minus strand). Cytogenetic location: 14q32.13.
Variant type: single nucleotide variant.
Coding change: c.18G>T on transcript NM_177438.3 (MANE Select); coding-DNA position 18, G replaced by T.
Protein change: p.Leu6Phe; replaces leucine 6 with phenylalanine.
Molecular consequence: missense variant. On other transcripts: 5 prime UTR variant (8), non-coding transcript variant (6), intron variant (1).
Genome position (GRCh38, 1-based): chr14:95,133,441, C>A on the plus strand (G>T on the coding strand, the complement: DICER1 is on the minus strand). VCF-style: chr14-95133441-C-A. GRCh37 (hg19) VCF-style: chr14-95599778-C-A.
Other names: c.18G>T, p.Leu6Phe (NM_001195573.1, NM_001271282.3, NM_001291628.2 and 15 more transcripts); c.-257G>T (NM_001395686.1, NM_001395688.1, NM_001395689.1 and 3 more transcripts); c.-441G>T (NM_001395691.1); c.-1551G>T (NM_001395697.1); c.-130-764G>T (NM_001395687.1); short protein forms L6F.
Identifiers: ClinVar variation 1782287 (VCV001782287.2), dbSNP rs777350127, ClinGen allele CA390890797.

ClinVar aggregate classification (germline): Uncertain significance (1 of 4 stars; one submission).

Conditions:
Hereditary cancer-predisposing syndrome. Also called: Neoplastic Syndromes, Hereditary; Tumor predisposition; Hereditary Cancer Syndrome; Hereditary neoplastic syndrome. Identifiers: Orphanet 140162, MedGen C0027672, MeSH D009386, MONDO:0015356.

gnomAD v4.1: 2 of 1,613,498 alleles (0.00012%); highest among the groups gnomAD compares: Admixed American, 0.0033%; no homozygotes.

Submission:

Ambry Genetics
Classification: Uncertain significance for Hereditary cancer-predisposing syndrome. Last evaluated: 2021-11-24. Review status: criteria provided, single submitter. Criteria: Ambry Variant Classification Scheme 2023. Collection method: clinical testing. Allele origin: germline.
Comment: The p.L6F variant (also known as c.18G>T), located in coding exon 1 of the DICER1 gene, results from a G to T substitution at nucleotide position 18. The leucine at codon 6 is replaced by phenylalanine, an amino acid with highly similar properties. This amino acid position is well conserved in available vertebrate species. In addition, this alteration is predicted to be tolerated by in silico analysis. Since supporting evidence is limited at this time, the clinical significance of this alteration remains unclear.